The following is an entry in ClinVar:

NM_001136035.4(TRMT1):c.927C>T (p.Phe309=)

Gene: TRMT1 (tRNA methyltransferase 1; minus strand). Cytogenetic location: 19p13.13.
Variant type: single nucleotide variant.
Coding change: c.927C>T on transcript NM_001136035.4 (MANE Select); coding-DNA position 927, C replaced by T.
Protein change: p.Phe309=; no amino-acid change (phenylalanine 309 retained).
Molecular consequence: synonymous variant.
Genome position (GRCh38, 1-based): chr19:13,110,250, G>A on the plus strand (C>T on the coding strand, the complement: TRMT1 is on the minus strand). VCF-style: chr19-13110250-G-A. GRCh37 (hg19) VCF-style: chr19-13221064-G-A.
Other names: c.927C>T, p.Phe309= (NM_001142554.3, NM_001351760.2, NM_017722.5); c.819C>T, p.Phe273= (NM_001351761.2); c.144C>T, p.Phe48= (NM_001351762.2).
Identifiers: ClinVar variation 3046777 (VCV003046777.2), dbSNP rs146661261, ClinGen allele CA9237873.
Genomic context (GRCh38, chr19:13,110,250, plus strand): 5'-GAAGACACGGACAAAAACACGCACGTAGAAGTCAGCGCTGATGCTGAGCAGCGGCACCAC[G>A]AAGCGCTGGTAGCAGTTGGCGCGGAGGTCCAGGCTGTGCAGGACGATTCTCAGGGCCTGG-3'
Protein context (NP_001129507.1, residues 299-319): LDLRANCYQR[Phe309=]VVPLLSISAD

ClinVar aggregate classification (germline): Likely benign (0 of 4 stars; one submission).

Conditions:
TRMT1-related disorder. Also called: TRMT1-related condition.

Allele frequency attached by ClinVar (database versions not stated): gnomAD exomes 0.00001; ExAC 0.00002; TOPMed 0.00002; gnomAD 0.00005; ESP Exome Variant Server 0.00015.
gnomAD v4.1: 26 of 1,601,922 alleles (0.0016%); highest among the groups gnomAD compares: East Asian, 0.011%; no homozygotes.

Submission:

PreventionGenetics, part of Exact Sciences
Classification: Likely benign for TRMT1-related condition. Last evaluated: 2019-04-05. Review status: no assertion criteria provided. Collection method: clinical testing. Allele origin: germline.
Comment: This variant is classified as likely benign based on ACMG/AMP sequence variant interpretation guidelines (Richards et al. 2015 PMID: 25741868, with internal and published modifications).